The following is an entry in ClinVar:

NM_004444.5(EPHB4):c.1960A>T (p.Thr654Ser)

Gene: EPHB4 (EPH receptor B4; minus strand). Cytogenetic location: 7q22.1.
Variant type: single nucleotide variant.
Coding change: c.1960A>T on transcript NM_004444.5 (MANE Select); coding-DNA position 1960, A replaced by T.
Protein change: p.Thr654Ser; replaces threonine 654 with serine.
Molecular consequence: missense variant.
Genome position (GRCh38, 1-based): chr7:100,812,905, T>A on the plus strand (A>T on the coding strand, the complement: EPHB4 is on the minus strand). VCF-style: chr7-100812905-T-A. GRCh37 (hg19) VCF-style: chr7-100410527-T-A.
Other names: short protein forms T654S.
Identifiers: ClinVar variation 1708438 (VCV001708438.3), dbSNP rs2485016533, ClinGen allele CA368570296.

ClinVar aggregate classification (germline): Uncertain significance (1 of 4 stars; one submission).

Submission:

Centre of Medical Genetics, University Hospital Muenster
Classification: Uncertain significance. Last evaluated: 2021-12-15. Review status: criteria provided, single submitter. Criteria: ACMG Guidelines, 2015. Collection method: clinical testing. Allele origin: unknown. Affected: yes. Observed: 1 variant allele, 1 heterozygote.
Comment: ACMG categories: PM1,PM2,PP3